The following is an entry in ClinVar:

ClinVar aggregate classification (germline): Conflicting classifications of pathogenicity. Review status: criteria provided, conflicting classifications (1 of 4 stars). 6 submissions from 6 submitters: Pathogenic (1); Uncertain significance (5). Last evaluated 2026-01-24.

Conditions:
RLBP1-related disorder. Also called: RLBP1-related disorders; RLBP1-related condition. Identifiers: MedGen CN239413.
Retinal dystrophy. Also called: Inherited retinal dystrophy. Identifiers: Orphanet 71862, MedGen C0854723, MeSH D058499, MONDO:0019118, HP:0000556.

Allele frequency attached by ClinVar (database versions not stated): ExAC 0.00004; gnomAD exomes 0.00005 and 0.00006; TOPMed 0.00009; gnomAD 0.00011; 1000 Genomes Project 0.00020; 1000 Genomes Project 30x 0.00031.
gnomAD v4.1: 115 of 1,614,104 alleles (0.0071%); highest among the groups gnomAD compares: Middle Eastern, 0.033%; no homozygotes.

Submissions (6):

Labcorp Genetics (formerly Invitae), Labcorp
Classification: Pathogenic. Last evaluated: 2026-01-24. Review status: criteria provided, single submitter. Criteria: Invitae Variant Classification Sherloc (09022015). Collection method: clinical testing. Allele origin: germline.
Comment: This sequence change replaces arginine, which is basic and polar, with tryptophan, which is neutral and slightly polar, at codon 121 of the RLBP1 protein (p.Arg121Trp). This variant is present in population databases (rs201153598, gnomAD 0.03%). This missense change has been observed in individual(s) with RLBP1-related conditions (PMID: 36247817, 38470931, 38945349). In at least one individual the data is consistent with being in trans (on the opposite chromosome) from a pathogenic variant. ClinVar contains an entry for this variant (Variation ID: 430145). Invitae Evidence Modeling of protein sequence and biophysical properties (such as structural, functional, and spatial information, amino acid conservation, physicochemical variation, residue mobility, and thermodynamic stability) indicates that this missense variant is expected to disrupt RLBP1 protein function with a positive predictive value of 95%. This variant disrupts the p.Arg121 amino acid residue in RLBP1. Other variant(s) that disrupt this residue have been observed in individuals with RLBP1-related conditions (PMID: 36909829), which suggests that this may be a clinically significant amino acid residue. For these reasons, this variant has been classified as Pathogenic.

Women's Health and Genetics/Laboratory Corporation of America, LabCorp
Classification: Uncertain significance. Last evaluated: 2025-03-25. Review status: criteria provided, single submitter. Criteria: LabCorp Variant Classification Summary - May 2015. Collection method: clinical testing. Allele origin: germline.
Comment: Variant summary: RLBP1 c.361C>T (p.Arg121Trp) results in a non-conservative amino acid change in the encoded protein sequence. Five of five in-silico tools predict a damaging effect of the variant on protein function. The variant allele was found at a frequency of 4.8e-05 in 251204 control chromosomes (gnomAD). This frequency is not significantly higher than estimated for a pathogenic variant in RLBP1 causing Retinitis Pigmentosa (4.8e-05 vs 0.00063), allowing no conclusion about variant significance. c.361C>T has been reported in the literature in three individuals who were compound heterozygous with pathogenic variants and had features of RLBP1-associated retinopathy (e.g. Bocquet_2021, Burstedt_2023, Bianco_2024). Another case with the same genotype was described as having an intermediate phenotype with macular sparing, but also midperipheral chorioretinal atrophy and severely reduced ffERG responses (Bianco_2024). An individual who was homozygous with the variant was described as having an unusual benign familian fleck retinal syndrome that was only discovered upon a routine ophthalmological visit (Issa_2024). Three other homozygous individuals were also described as asymptomatic with an unusually mild retinal phenotype (Bianco_2024). These data indicate that the variant may be a hypomorphic allele that could contribute to disease when in trans with a pathogenic variant. To our knowledge, no experimental evidence demonstrating an impact on protein function has been reported. The following publications have been ascertained in the context of this evaluation (PMID: 38470931, 38945349, 37883093, 36247817). ClinVar contains an entry for this variant (Variation ID: 430145). Based on the evidence outlined above, the variant was classified as VUS-possibly pathogenic.

PreventionGenetics, part of Exact Sciences
Classification: Uncertain significance for RLBP1-related condition. Last evaluated: 2024-11-21. Review status: criteria provided, single submitter. Criteria: ACMG Guidelines, 2015. Collection method: clinical testing. Allele origin: germline.
Comment: The RLBP1 c.361C>T variant is predicted to result in the amino acid substitution p.Arg121Trp. To our knowledge, this variant has not been reported in the literature. An alternate substitution of this amino acid residue (p.Arg121Gln) has been reported in the homozygous state in an individual with congenital stationary night blindness (Peter et al. 2023. PubMed ID: 36909829). This variant is present in 0.028% of alleles in individuals of African descent in gnomAD. Although we suspect that this variant may be pathogenic for autosomal recessive disease, at this time, the clinical significance of this variant is uncertain due to the absence of conclusive functional and genetic evidence.

Blueprint Genetics
Classification: Uncertain significance. Last evaluated: 2024-08-06. Review status: criteria provided, single submitter. Criteria: ACMG Guidelines, 2015. Collection method: clinical testing. Allele origin: germline.

Dept Of Ophthalmology, Nagoya University
Classification: Uncertain significance for Retinal dystrophy. Last evaluated: 2023-10-01. Review status: criteria provided, single submitter. Criteria: Submitter's publication. Collection method: research. Allele origin: germline. Affected: yes.

GeneDx
Classification: Uncertain significance. Last evaluated: 2017-05-12. Review status: criteria provided, single submitter. Criteria: GeneDx Variant Classification (06012015). Collection method: clinical testing. Allele origin: germline. Affected: yes.
Comment: The R121W variant in the RLBP1 gene has not been reported previously as a pathogenic variant, nor as a benign variant, to our knowledge. The R121W variant is observed in 2/8644 (0.02%) alleles from individuals of East Asian background in the ExAC dataset, and no individuals were reported to be homozygous (Lek et al., 2016). The R121W variant is a non-conservative amino acid substitution, which is likely to impact secondary protein structure as these residues differ in polarity, charge, size and/or other properties. This substitution occurs at a position that is conserved across species. In silico analysis predicts this variant is probably damaging to the protein structure/function. We interpret R121W as a variant of uncertain significance.

Literature cited by the submitters: PubMed 36247817 (cited by Labcorp Genetics (formerly Invitae), Labcorp and Women's Health and Genetics/Laboratory Corporation of America, LabCorp); PubMed 38470931 (cited by Labcorp Genetics (formerly Invitae), Labcorp and Women's Health and Genetics/Laboratory Corporation of America, LabCorp); PubMed 38945349 (cited by Labcorp Genetics (formerly Invitae), Labcorp and Women's Health and Genetics/Laboratory Corporation of America, LabCorp); PubMed 36909829 (cited by Labcorp Genetics (formerly Invitae), Labcorp); PubMed 37883093 (cited by Women's Health and Genetics/Laboratory Corporation of America, LabCorp).

NM_000326.5(RLBP1):c.361C>T (p.Arg121Trp)

Gene: RLBP1 (retinaldehyde binding protein 1; minus strand). Cytogenetic location: 15q26.1.
Variant type: single nucleotide variant.
Coding change: c.361C>T on transcript NM_000326.5 (MANE Select); coding-DNA position 361, C replaced by T.
Protein change: p.Arg121Trp; replaces arginine 121 with tryptophan.
Molecular consequence: missense variant.
Genome position (GRCh38, 1-based): chr15:89,215,224, G>A on the plus strand (C>T on the coding strand, the complement: RLBP1 is on the minus strand). VCF-style: chr15-89215224-G-A. GRCh37 (hg19) VCF-style: chr15-89758455-G-A.
Other names: short protein forms R121W.
Identifiers: ClinVar variation 430145 (VCV000430145.10), dbSNP rs201153598, ClinGen allele CA7722301.